The following is an entry in ClinVar:

ClinVar aggregate classification (germline): Conflicting classifications of pathogenicity. Review status: criteria provided, conflicting classifications (1 of 4 stars). 4 submissions from 4 submitters: Uncertain significance (3); Likely benign (1). Last evaluated 2025-11-14.

Conditions:
Hereditary cancer-predisposing syndrome. Also called: Neoplastic Syndromes, Hereditary; Tumor predisposition; Hereditary Cancer Syndrome; Hereditary neoplastic syndrome. Identifiers: Orphanet 140162, MedGen C0027672, MeSH D009386, MONDO:0015356.
BAP1-related tumor predisposition syndrome (TPDS1). Also called: Tumor susceptibility linked to germline BAP1 mutations; BAP1 tumor predisposition syndrome; COMMON Syndrome; TUMOR PREDISPOSITION SYNDROME 1. Identifiers: Orphanet 289539, MedGen C3280492, MONDO:0013692, OMIM 614327.

Allele frequency attached by ClinVar (database versions not stated): gnomAD exomes below 0.00001; TOPMed 0.00001.

Submissions (4):

Ambry Genetics
Classification: Likely benign for Hereditary cancer-predisposing syndrome. Last evaluated: 2025-11-14. Review status: criteria provided, single submitter. Criteria: Ambry Variant Classification Scheme 2023. Collection method: clinical testing. Allele origin: germline.

Labcorp Genetics (formerly Invitae), Labcorp
Classification: Uncertain significance for BAP1-related tumor predisposition syndrome. Last evaluated: 2025-03-09. Review status: criteria provided, single submitter. Criteria: Invitae Variant Classification Sherloc (09022015). Collection method: clinical testing. Allele origin: germline.
Comment: This sequence change replaces glutamic acid, which is acidic and polar, with lysine, which is basic and polar, at codon 625 of the BAP1 protein (p.Glu625Lys). This variant is not present in population databases (gnomAD no frequency). This variant has not been reported in the literature in individuals affected with BAP1-related conditions. ClinVar contains an entry for this variant (Variation ID: 485294). Invitae Evidence Modeling of protein sequence and biophysical properties (such as structural, functional, and spatial information, amino acid conservation, physicochemical variation, residue mobility, and thermodynamic stability) indicates that this missense variant is not expected to disrupt BAP1 protein function with a negative predictive value of 80%. In summary, the available evidence is currently insufficient to determine the role of this variant in disease. Therefore, it has been classified as a Variant of Uncertain Significance.

Baylor Genetics
Classification: Uncertain significance for BAP1-related tumor predisposition syndrome. Last evaluated: 2023-10-09. Review status: criteria provided, single submitter. Criteria: ACMG Guidelines, 2015. Collection method: clinical testing. Allele origin: unknown.

Color Diagnostics, LLC DBA Color Health
Classification: Uncertain significance for Hereditary cancer-predisposing syndrome. Last evaluated: 2019-02-28. Review status: criteria provided, single submitter. Criteria: ACMG Guidelines, 2015. Collection method: clinical testing. Allele origin: germline.

Literature cited by the submitters: PubMed 38969833 (cited by Ambry Genetics).

NM_004656.4(BAP1):c.1873G>A (p.Glu625Lys)

Gene: BAP1 (BRCA1 associated deubiquitinase 1; minus strand). Cytogenetic location: 3p21.1.
Variant type: single nucleotide variant.
Coding change: c.1873G>A on transcript NM_004656.4 (MANE Select); coding-DNA position 1873, G replaced by A.
Protein change: p.Glu625Lys; replaces glutamic acid 625 with lysine.
Molecular consequence: missense variant.
Genome position (GRCh38, 1-based): chr3:52,403,155, C>T on the plus strand (G>A on the coding strand, the complement: BAP1 is on the minus strand). VCF-style: chr3-52403155-C-T. GRCh37 (hg19) VCF-style: chr3-52437171-C-T.
Other names: c.1873G>A (LRG_529t1); short protein forms E625K.
Identifiers: ClinVar variation 485294 (VCV000485294.17), dbSNP rs1482404545, ClinGen allele CA353097997.
Genomic context (GRCh38, chr3:52,403,155, plus strand): 5'-CCCTCTGCCAGGATTAAAGGAGAAAACCACAACGGAGGCTCACCTTGGGTGAGTATTTCT[C>T]CCCACTCAAGGGCTCGCCAGGCCTCACCATCCCCGTCTTCTCTCTGCTGTCCGTGGCTTC-3'
Protein context (NP_004647.1, residues 615-635): MVRPGEPLSG[Glu625Lys]KYSPKELLAL